The following is an entry in ClinVar:

NM_032578.4(MYPN):c.211G>T (p.Glu71Ter)

Gene: MYPN (myopalladin; plus strand). Cytogenetic location: 10q21.3.
Variant type: single nucleotide variant.
Coding change: c.211G>T on transcript NM_032578.4 (MANE Select); coding-DNA position 211, G replaced by T.
Protein change: p.Glu71Ter; replaces glutamic acid 71 with a stop codon.
Molecular consequence: nonsense. On other transcripts: 5 prime UTR variant (1), non-coding transcript variant (1).
Genome position (GRCh38, 1-based): chr10:68,121,649, G>T. VCF-style: chr10-68121649-G-T. GRCh37 (hg19) VCF-style: chr10-69881406-G-T.
Other names: c.211G>T, p.Glu71Ter (NM_001256267.2); c.-912G>T (NM_001256268.2); short protein forms E71*.
Identifiers: ClinVar variation 1941324 (VCV001941324.5), dbSNP rs2495461148, ClinGen allele CA377103841.

ClinVar aggregate classification (germline): Pathogenic (1 of 4 stars; one submission).

Conditions:
Dilated cardiomyopathy 1KK (CMD1KK). Identifiers: Orphanet 154, Orphanet 75249, MedGen C3714995, MONDO:0014100, OMIM 615248.

Submission:

Labcorp Genetics (formerly Invitae), Labcorp
Classification: Pathogenic for Dilated cardiomyopathy 1KK. Last evaluated: 2021-11-27. Review status: criteria provided, single submitter. Criteria: Invitae Variant Classification Sherloc (09022015). Collection method: clinical testing. Allele origin: germline.
Comment: This variant has not been reported in the literature in individuals affected with MYPN-related conditions. This variant is not present in population databases (gnomAD no frequency). This sequence change creates a premature translational stop signal (p.Glu71*) in the MYPN gene. It is expected to result in an absent or disrupted protein product. Loss-of-function variants in MYPN are known to be pathogenic (PMID: 28017374). For these reasons, this variant has been classified as Pathogenic.

Literature cited by the submitters: PubMed 28017374.